The following is an entry in ClinVar:

ClinVar aggregate classification (germline): Likely benign. Review status: criteria provided, multiple submitters, no conflicts (2 of 4 stars). 3 submissions from 3 submitters: Likely benign (3). Last evaluated 2025-02-16.

Allele frequency attached by ClinVar (database versions not stated): gnomAD exomes 0.00018; 1000 Genomes Project 0.00020; TOPMed 0.00021; gnomAD 0.00023; ExAC 0.00024; 1000 Genomes Project 30x 0.00047.

Submissions (3):

Laboratory of Genetics, Children's Clinical University Hospital Latvia
Classification: Likely benign. Last evaluated: 2025-02-16. Review status: criteria provided, single submitter. Criteria: ACMG Guidelines, 2015. Collection method: clinical testing. Allele origin: germline. Affected: yes.

Blueprint Genetics
Classification: Likely benign. Last evaluated: 2024-11-21. Review status: criteria provided, single submitter. Criteria: ACMG Guidelines, 2015. Collection method: clinical testing. Allele origin: germline.

CeGaT Center for Human Genetics Tuebingen
Classification: Likely benign. Last evaluated: 2022-03-01. Review status: criteria provided, single submitter. Criteria: CeGaT Center For Human Genetics Tuebingen Variant Classification Criteria Version 2. Collection method: clinical testing. Allele origin: germline. Affected: yes. Observed: 1 variant allele.
Comment: LAMA3: BP4, BP7

NM_198129.4(LAMA3):c.147G>A (p.Pro49=)

Gene: LAMA3 (laminin subunit alpha 3; plus strand). Cytogenetic location: 18q11.2.
Variant type: single nucleotide variant.
Coding change: c.147G>A on transcript NM_198129.4 (MANE Select); coding-DNA position 147, G replaced by A.
Protein change: p.Pro49=; no amino-acid change (proline 49 retained).
Molecular consequence: synonymous variant. On other transcripts: non-coding transcript variant (1).
Genome position (GRCh38, 1-based): chr18:23,689,830, G>A. VCF-style: chr18-23689830-G-A. GRCh37 (hg19) VCF-style: chr18-21269794-G-A.
Other names: c.147G>A, p.Pro49= (NM_001127717.4, NM_001302996.2).
Identifiers: ClinVar variation 2648621 (VCV002648621.26), dbSNP rs551915733, ClinGen allele CA8914182.
Genomic context (GRCh38, chr18:23,689,830, plus strand): 5'-GCCAGCCTGCGGGGCGACCGCTCGGGATCCCGGGGCCGCGGCCGGGCTCAGCCTTCACCC[G>A]ACTTACTTCAACCTGGCCGAGGCGGCGAGGATTTGGGCCACCGCCACCTGCGGGGAGAGG-3'
Protein context (NP_937762.2, residues 39-59): PGAAAGLSLH[Pro49=]TYFNLAEAAR